The following is an entry in ClinVar:

NM_032193.4(RNASEH2C):c.15C>A (p.Asp5Glu)

Gene: RNASEH2C (ribonuclease H2 subunit C; minus strand). Cytogenetic location: 11q13.1.
Variant type: single nucleotide variant.
Coding change: c.15C>A on transcript NM_032193.4 (MANE Select); coding-DNA position 15, C replaced by A.
Protein change: p.Asp5Glu; replaces aspartic acid 5 with glutamic acid.
Molecular consequence: missense variant.
Genome position (GRCh38, 1-based): chr11:65,720,744, G>T on the plus strand (C>A on the coding strand, the complement: RNASEH2C is on the minus strand). VCF-style: chr11-65720744-G-T. GRCh37 (hg19) VCF-style: chr11-65488215-G-T.
Other names: short protein forms D5E.
Identifiers: ClinVar variation 1428304 (VCV001428304.8), dbSNP rs1310807864, ClinGen allele CA381299736.

ClinVar aggregate classification (germline): Uncertain significance (1 of 4 stars; one submission).

Conditions:
Aicardi-Goutieres syndrome 3. Identifiers: Orphanet 51, MedGen C1835916, MONDO:0012471, OMIM 610329.

Allele frequency attached by ClinVar (database versions not stated): TOPMed below 0.00001; gnomAD exomes 0.00001.
gnomAD v4.1: 3 of 1,593,396 alleles (0.00019%); highest among the groups gnomAD compares: Admixed American, 0.0034%; no homozygotes.

Submission:

Labcorp Genetics (formerly Invitae), Labcorp
Classification: Uncertain significance for Aicardi-Goutieres syndrome 3. Last evaluated: 2021-07-07. Review status: criteria provided, single submitter. Criteria: Invitae Variant Classification Sherloc (09022015). Collection method: clinical testing. Allele origin: germline.
Comment: This sequence change replaces aspartic acid with glutamic acid at codon 5 of the RNASEH2C protein (p.Asp5Glu). The aspartic acid residue is weakly conserved and there is a small physicochemical difference between aspartic acid and glutamic acid. This variant is not present in population databases (ExAC no frequency). This variant has not been reported in the literature in individuals with RNASEH2C-related conditions. Algorithms developed to predict the effect of missense changes on protein structure and function output the following: SIFT: "Tolerated"; PolyPhen-2: "Benign"; Align-GVGD: "Class C0". The glutamic acid amino acid residue is found in multiple mammalian species, suggesting that this missense change does not adversely affect protein function. These predictions have not been confirmed by published functional studies and their clinical significance is uncertain. In summary, the available evidence is currently insufficient to determine the role of this variant in disease. Therefore, it has been classified as a Variant of Uncertain Significance.